The following is an entry in ClinVar:

ClinVar aggregate classification (germline): Likely pathogenic (0 of 4 stars; one submission).

Conditions:
Imerslund-Grasbeck syndrome. Also called: PERNICIOUS ANEMIA, JUVENILE, DUE TO SELECTIVE INTESTINAL MALABSORPTION OF VITAMIN B12, WITH PROTEINURIA; Megaloblastic anemia due to inborn errors of metabolism; Imerslund-Gräsbeck syndrome; ENTEROCYTE COBALAMIN MALABSORPTION; ENTEROCYTE INTRINSIC FACTOR RECEPTOR, DEFECT OF. Identifiers: Orphanet 35858, MedGen C4551825, MONDO:0009853.

Submission:

Juha Muilu Group; Institute for Molecular Medicine Finland (FIMM)
Classification: Likely pathogenic for Megaloblastic anemia due to inborn errors of metabolism. Review status: no assertion criteria provided. Collection method: not provided. Allele origin: unknown.
Comment: FinDis database variant: This variant was not found or characterized by our laboratory, data were collected from public sources: see reference
ClinVar note: Converted during submission from probable-pathogenic to Likely pathogenic.

NM_001081.4(CUBN):c.489G>A (p.Lys163=)

Gene: CUBN (cubilin; minus strand). Cytogenetic location: 10p13.
Variant type: single nucleotide variant.
Coding change: c.489G>A on transcript NM_001081.4 (MANE Select); coding-DNA position 489, G replaced by A.
Protein change: p.Lys163=; no amino-acid change (lysine 163 retained).
Molecular consequence: synonymous variant.
Genome position (GRCh38, 1-based): chr10:17,123,588, C>T on the plus strand (G>A on the coding strand, the complement: CUBN is on the minus strand). VCF-style: chr10-17123588-C-T. GRCh37 (hg19) VCF-style: chr10-17165587-C-T.
Identifiers: ClinVar variation 56341 (VCV000056341.2), dbSNP rs386833789, ClinGen allele CA144299.
Genomic context (GRCh38, chr10:17,123,588, plus strand): 5'-TCCAAGGAAACCACAGATGCTGACCTGCCATCATTCTTAACCAAAGAGTAGATGACTCAC[C>T]TTCCACTGTGGGGGACAGATACAAAAAAAGGAATCATGCAGATTGAGGCAGGTTCCACCA-3'
Protein context (NP_001072.2, residues 153-173): SFFCICPPQW[Lys163=]GPLCSADVNE